The following is an entry in ClinVar:

NM_133259.4(LRPPRC):c.1677+1G>T

Gene: LRPPRC (leucine rich pentatricopeptide repeat containing; minus strand). Cytogenetic location: 2p21.
Variant type: single nucleotide variant.
Coding change: c.1677+1G>T on transcript NM_133259.4 (MANE Select); the canonical splice donor site of the intron after coding-DNA position 1677, G replaced by T.
Molecular consequence: splice donor variant.
Genome position (GRCh38, 1-based): chr2:43,950,572, C>A on the plus strand (G>T on the coding strand, the complement: LRPPRC is on the minus strand). VCF-style: chr2-43950572-C-A. GRCh37 (hg19) VCF-style: chr2-44177711-C-A.
Identifiers: ClinVar variation 1509701 (VCV001509701.10), dbSNP rs2103624540, ClinGen allele CA346677844.

ClinVar aggregate classification (germline): Likely pathogenic. Review status: criteria provided, multiple submitters, no conflicts (2 of 4 stars). 3 submissions from 3 submitters: Likely pathogenic (3). Last evaluated 2025-07-08.

Conditions:
Congenital lactic acidosis, Saguenay-Lac-Saint-Jean type (MC4DN5). Also called: CYTOCHROME c OXIDASE DEFICIENCY, FRENCH CANADIAN TYPE; COX DEFICIENCY, FRENCH CANADIAN TYPE; MITOCHONDRIAL COMPLEX IV DEFICIENCY, NUCLEAR TYPE 5. Identifiers: Orphanet 70472, MedGen C1857355, MONDO:0009069, OMIM 220111.

Submissions (3):

Myriad Genetics, Inc.
Classification: Likely pathogenic for Congenital lactic acidosis, Saguenay-Lac-Saint-Jean type. Last evaluated: 2025-07-08. Review status: criteria provided, single submitter. Criteria: Myriad Autosomal Dominant, Autosomal Recessive and X-Linked Classification Criteria (2023). Collection method: clinical testing. Allele origin: unknown.
Comment: NM_133259.3(LRPPRC):c.1677+1G>T is a variant in a canonical splice site classified as likely pathogenic in the context of Leigh syndrome, French-Canadian type. c.1677+1G>T has not been observed in cases with relevant disease. Relevant functional assessments of this variant are not available in the literature. c.1677+1G>T has not been observed in referenced population frequency databases. In summary, NM_133259.3(LRPPRC):c.1677+1G>T is a variant in a canonical splice site in a gene where loss of function is a known mechanism of disease and is predicted to disrupt protein function. Please note: this variant was assessed in the context of healthy population screening.

Labcorp Genetics (formerly Invitae), Labcorp
Classification: Likely pathogenic. Last evaluated: 2022-04-08. Review status: criteria provided, single submitter. Criteria: Invitae Variant Classification Sherloc (09022015). Collection method: clinical testing. Allele origin: germline.
Comment: In summary, the currently available evidence indicates that the variant is pathogenic, but additional data are needed to prove that conclusively. Therefore, this variant has been classified as Likely Pathogenic. Algorithms developed to predict the effect of sequence changes on RNA splicing suggest that this variant may disrupt the consensus splice site. This variant has not been reported in the literature in individuals affected with LRPPRC-related conditions. This variant is not present in population databases (gnomAD no frequency). This sequence change affects a donor splice site in intron 15 of the LRPPRC gene. It is expected to disrupt RNA splicing. Variants that disrupt the donor or acceptor splice site typically lead to a loss of protein function (PMID: 16199547), and loss-of-function variants in LRPPRC are known to be pathogenic (PMID: 26510951).

Baylor Genetics
Classification: Likely pathogenic for Congenital lactic acidosis, Saguenay-Lac-Saint-Jean type. Last evaluated: 2021-10-29. Review status: criteria provided, single submitter. Criteria: ACMG Guidelines, 2015. Collection method: clinical testing. Allele origin: unknown.

Literature cited by the submitters: PubMed 16199547 (cited by Labcorp Genetics (formerly Invitae), Labcorp); PubMed 26510951 (cited by Labcorp Genetics (formerly Invitae), Labcorp).